The following is an entry in ClinVar:

ClinVar aggregate classification (germline): Benign/Likely benign. Review status: criteria provided, multiple submitters, no conflicts (2 of 4 stars). 3 submissions from 3 submitters: Benign (1); Likely benign (1). 1 of the submissions does not count toward it. Last evaluated 2026-01-24.

Conditions:
JAK1-related disorder. Also called: JAK1-related condition.

Allele frequency attached by ClinVar (database versions not stated): gnomAD 0.00031; 1000 Genomes Project 0.00040; ExAC 0.00046; 1000 Genomes Project 30x 0.00047.
gnomAD v4.1: 242 of 1,613,996 alleles (0.015%); highest among the groups gnomAD compares: Admixed American, 0.39%; 1 homozygote.

Submissions (4):

Labcorp Genetics (formerly Invitae), Labcorp
Classification: Benign. Last evaluated: 2026-01-24. Review status: criteria provided, single submitter. Criteria: Invitae Variant Classification Sherloc (09022015). Collection method: clinical testing. Allele origin: germline.

Blueprint Genetics
Classification: Likely benign. Last evaluated: 2024-11-06. Review status: criteria provided, single submitter. Criteria: ACMG Guidelines, 2015. Collection method: clinical testing. Allele origin: germline.

PreventionGenetics, part of Exact Sciences
Classification: Likely benign for JAK1-related condition. Last evaluated: 2023-07-12. Review status: no assertion criteria provided. Collection method: clinical testing. Allele origin: germline. Not counted in ClinVar's aggregate classification.
Comment: This variant is classified as likely benign based on ACMG/AMP sequence variant interpretation guidelines (Richards et al. 2015 PMID: 25741868, with internal and published modifications).

Dr. Peter K. Rogan Lab, Western University
No classification provided (evidence only). Condition: Gastric cancer. Review status: no classification provided. Collection method: in vitro. Allele origin: not applicable. Functional consequence: retained intron. Not counted in ClinVar's aggregate classification.

NM_002227.4(JAK1):c.1335-7C>G

Gene: JAK1 (Janus kinase 1; minus strand). Cytogenetic location: 1p31.3.
Variant type: single nucleotide variant.
Coding change: c.1335-7C>G on transcript NM_002227.4 (MANE Select); 7 bases into the intron before coding-DNA position 1335, C replaced by G.
Molecular consequence: intron variant.
Genome position (GRCh38, 1-based): chr1:64,857,786, G>C on the plus strand (C>G on the coding strand, the complement: JAK1 is on the minus strand). VCF-style: chr1-64857786-G-C. GRCh37 (hg19) VCF-style: chr1-65323469-G-C.
Other names: c.1335-7C>G (NM_001321852.2, NM_001321854.2, NM_001321853.2 and 5 more transcripts).
Identifiers: ClinVar variation 1165448 (VCV001165448.13), dbSNP rs201443299, ClinGen allele CA892960.